The following is an entry in ClinVar:

NM_017617.5(NOTCH1):c.5596G>A (p.Glu1866Lys)

Gene: NOTCH1 (notch receptor 1; minus strand). Cytogenetic location: 9q34.3.
Variant type: single nucleotide variant.
Coding change: c.5596G>A on transcript NM_017617.5 (MANE Select); coding-DNA position 5596, G replaced by A.
Protein change: p.Glu1866Lys; replaces glutamic acid 1866 with lysine.
Molecular consequence: missense variant.
Genome position (GRCh38, 1-based): chr9:136,501,790, C>T on the plus strand (G>A on the coding strand, the complement: NOTCH1 is on the minus strand). VCF-style: chr9-136501790-C-T. GRCh37 (hg19) VCF-style: chr9-139396242-C-T.
Other names: short protein forms E1866K.
Identifiers: ClinVar variation 4750356 (VCV004750356.1).

ClinVar aggregate classification (germline): Uncertain significance (1 of 4 stars; one submission).

Conditions:
Adams-Oliver syndrome 5 (AOS5). Identifiers: Orphanet 974, MedGen C4014970, MONDO:0014459, OMIM 616028.

Submission:

Labcorp Genetics (formerly Invitae), Labcorp
Classification: Uncertain significance for Adams-Oliver syndrome 5. Last evaluated: 2025-08-29. Review status: criteria provided, single submitter. Criteria: Invitae Variant Classification Sherloc (09022015). Collection method: clinical testing. Allele origin: germline.
Comment: This sequence change replaces glutamic acid, which is acidic and polar, with lysine, which is basic and polar, at codon 1866 of the NOTCH1 protein (p.Glu1866Lys). This variant is not present in population databases (gnomAD no frequency). This variant has not been reported in the literature in individuals affected with NOTCH1-related conditions. Invitae Evidence Modeling of protein sequence and biophysical properties (such as structural, functional, and spatial information, amino acid conservation, physicochemical variation, residue mobility, and thermodynamic stability) indicates that this missense variant is not expected to disrupt NOTCH1 protein function with a negative predictive value of 80%. Algorithms developed to predict the effect of sequence changes on RNA splicing suggest that this variant may disrupt the consensus splice site. In summary, the available evidence is currently insufficient to determine the role of this variant in disease. Therefore, it has been classified as a Variant of Uncertain Significance.